The following is an entry in ClinVar:

NM_004523.4(KIF11):c.2849A>G (p.Gln950Arg)

Gene: KIF11 (kinesin family member 11; plus strand). Cytogenetic location: 10q23.33.
Variant type: single nucleotide variant.
Coding change: c.2849A>G on transcript NM_004523.4 (MANE Select); coding-DNA position 2849, A replaced by G.
Protein change: p.Gln950Arg; replaces glutamine 950 with arginine.
Molecular consequence: missense variant.
Genome position (GRCh38, 1-based): chr10:92,649,913, A>G. VCF-style: chr10-92649913-A-G. GRCh37 (hg19) VCF-style: chr10-94409670-A-G.
Other names: short protein forms Q950R.
Identifiers: ClinVar variation 2103490 (VCV002103490.26), dbSNP rs757088457, ClinGen allele CA5604479.

ClinVar aggregate classification (germline): Conflicting classifications of pathogenicity. Review status: criteria provided, conflicting classifications (1 of 4 stars). 2 submissions from 2 submitters: Uncertain significance (1); Likely benign (1). Last evaluated 2025-10-20.

Allele frequency attached by ClinVar (database versions not stated): gnomAD exomes below 0.00001; ExAC 0.00001.
gnomAD v4.1: 1 of 1,613,056 alleles (0.000062%); highest among the groups gnomAD compares: Non-Finnish European, 0.000085%; no homozygotes.

Submissions (2):

Labcorp Genetics (formerly Invitae), Labcorp
Classification: Likely benign. Last evaluated: 2025-10-20. Review status: criteria provided, single submitter. Criteria: Invitae Variant Classification Sherloc (09022015). Collection method: clinical testing. Allele origin: germline.

CeGaT Center for Human Genetics Tuebingen
Classification: Uncertain significance. Last evaluated: 2024-01-01. Review status: criteria provided, single submitter. Criteria: CeGaT Center For Human Genetics Tuebingen Variant Classification Criteria Version 2. Collection method: clinical testing. Allele origin: germline. Affected: yes. Observed: 1 variant allele.
Comment: KIF11: PM2, BP4